The following is an entry in ClinVar:

NM_030632.3(ASXL3):c.1465G>T (p.Glu489Ter)

Gene: ASXL3 (ASXL transcriptional regulator 3; plus strand). Cytogenetic location: 18q12.1.
Variant type: single nucleotide variant.
Coding change: c.1465G>T on transcript NM_030632.3 (MANE Select); coding-DNA position 1465, G replaced by T.
Protein change: p.Glu489Ter; replaces glutamic acid 489 with a stop codon.
Molecular consequence: nonsense.
Genome position (GRCh38, 1-based): chr18:33,738,869, G>T. VCF-style: chr18-33738869-G-T. GRCh37 (hg19) VCF-style: chr18-31318833-G-T.
Other names: short protein forms E489*.
Identifiers: ClinVar variation 1068542 (VCV001068542.9), dbSNP rs2145412437, ClinGen allele CA402175452.

ClinVar aggregate classification (germline): Pathogenic (1 of 4 stars; one submission).

Submission:

Labcorp Genetics (formerly Invitae), Labcorp
Classification: Pathogenic. Last evaluated: 2020-04-10. Review status: criteria provided, single submitter. Criteria: Invitae Variant Classification Sherloc (09022015). Collection method: clinical testing. Allele origin: germline.
Comment: This sequence change creates a premature translational stop signal (p.Glu489*) in the ASXL3 gene. It is expected to result in an absent or disrupted protein product. This variant is not present in population databases (ExAC no frequency). For these reasons, this variant has been classified as Pathogenic. The current clinical and genetic evidence is not sufficient to establish whether loss-of-function variants in ASXL3 cause disease. This variant has been observed in individual(s) with clinical features of Bainbridge-Ropers syndrome (Invitae). In at least one individual the variant was observed to be de novo.